The following is an entry in ClinVar:

NM_139315.3(TAF6):c.-11_-8del

Gene: TAF6 (TATA-box binding protein associated factor 6; minus strand). Cytogenetic location: 7q22.1.
Variant type: Deletion.
Coding change: c.-11_-8del on transcript NM_139315.3 (MANE Select); 11 bases upstream of the start codon through 8 bases upstream of the start codon, 4 bases deleted (GGGA; older notation c.-11_-8delGGGA).
Molecular consequence: 5 prime UTR variant. On other transcripts: frameshift variant (2), non-coding transcript variant (1).
Genome position (GRCh38, 1-based): chr7:100,114,217-100,114,220, TCCC deleted on the plus strand (GGGA on the coding strand, the reverse complement: TAF6 is on the minus strand); deleting any 4 consecutive bases within chr7:100,114,217-100,114,222 gives the same sequence; the c. name uses the placement nearest the transcript's 3' end. VCF-style (leftmost placement, unchanged base first): chr7-100114216-GTCCC-G. GRCh37 (hg19) VCF-style: chr7-99711839-GTCCC-G.
Other names: c.101_104del, p.Arg34fs (NM_001190415.2); c.-11_-8del (NM_001364998.1, NM_001364999.1, NM_001365000.1 and 4 more transcripts); c.128_131del, p.Arg43fs (NM_001365004.1); short protein forms R34fs, R43fs.
Identifiers: ClinVar variation 2657737 (VCV002657737.24), dbSNP rs60827453, ClinGen allele CA4375814.

ClinVar aggregate classification (germline): Likely benign (1 of 4 stars; one submission).

Submission:

CeGaT Center for Human Genetics Tuebingen
Classification: Likely benign. Last evaluated: 2026-02-01. Review status: criteria provided, single submitter. Criteria: CeGaT Center For Human Genetics Tuebingen Variant Classification Criteria Version 2. Collection method: clinical testing. Allele origin: germline. Affected: yes. Observed: 3 variant alleles.
Comment: TAF6: BS1